The following is an entry in ClinVar:

NM_053013.4(ENO3):c.1046C>T (p.Ser349Leu)

Gene: ENO3 (enolase 3; plus strand). Cytogenetic location: 17p13.2.
Variant type: single nucleotide variant.
Coding change: c.1046C>T on transcript NM_053013.4 (MANE Select); coding-DNA position 1046, C replaced by T.
Protein change: p.Ser349Leu; replaces serine 349 with leucine.
Molecular consequence: missense variant.
Genome position (GRCh38, 1-based): chr17:4,956,122, C>T. VCF-style: chr17-4956122-C-T. GRCh37 (hg19) VCF-style: chr17-4859417-C-T.
Other names: c.1046C>T (NM_053013.3); c.917C>T, p.Ser306Leu (NM_001193503.2); c.1046C>T, p.Ser349Leu (NM_001374523.1, NM_001976.5); c.1073C>T, p.Ser358Leu (NM_001374524.1); short protein forms S349L, S358L, S306L.
Identifiers: ClinVar variation 1442109 (VCV001442109.8), dbSNP rs777965106, ClinGen allele CA8316514.

ClinVar aggregate classification (germline): Uncertain significance. Review status: criteria provided, multiple submitters, no conflicts (2 of 4 stars). 2 submissions from 2 submitters: Uncertain significance (2). Last evaluated 2025-12-15.

Conditions:
Inborn genetic diseases. Identifiers: MedGen C0950123, MeSH D030342.
Glycogen storage disease due to muscle beta-enolase deficiency (GSD13). Also called: Glycogen Storage Disease Type XIII; ENOLASE 3 DEFICIENCY; ENOLASE-BETA DEFICIENCY; GSD XIII. Identifiers: Orphanet 99849, MedGen C2752027, MONDO:0013046, OMIM 612932.

Allele frequency attached by ClinVar (database versions not stated): ExAC 0.00001; gnomAD 0.00001; gnomAD exomes 0.00001; TOPMed 0.00001.
gnomAD v4.1: 9 of 1,613,894 alleles (0.00056%); highest among the groups gnomAD compares: South Asian, 0.0033%; no homozygotes.

Submissions (2):

Ambry Genetics
Classification: Uncertain significance for Inborn genetic diseases. Last evaluated: 2025-12-15. Review status: criteria provided, single submitter. Criteria: Ambry Variant Classification Scheme 2023. Collection method: clinical testing. Allele origin: germline.

Labcorp Genetics (formerly Invitae), Labcorp
Classification: Uncertain significance for Glycogen storage disease due to muscle beta-enolase deficiency. Last evaluated: 2024-03-04. Review status: criteria provided, single submitter. Criteria: Invitae Variant Classification Sherloc (09022015). Collection method: clinical testing. Allele origin: germline.
Comment: This sequence change replaces serine, which is neutral and polar, with leucine, which is neutral and non-polar, at codon 349 of the ENO3 protein (p.Ser349Leu). This variant is present in population databases (rs777965106, gnomAD 0.003%). This variant has not been reported in the literature in individuals affected with ENO3-related conditions. ClinVar contains an entry for this variant (Variation ID: 1442109). Advanced modeling of protein sequence and biophysical properties (such as structural, functional, and spatial information, amino acid conservation, physicochemical variation, residue mobility, and thermodynamic stability) performed at Invitae indicates that this missense variant is not expected to disrupt ENO3 protein function with a negative predictive value of 80%. In summary, the available evidence is currently insufficient to determine the role of this variant in disease. Therefore, it has been classified as a Variant of Uncertain Significance.